The following is an entry in ClinVar:

ClinVar aggregate classification (germline): Conflicting classifications of pathogenicity. Review status: criteria provided, conflicting classifications (1 of 4 stars). 5 submissions from 5 submitters: Uncertain significance (1); Benign (2); Likely benign (1). 1 of the submissions does not count toward it. Last evaluated 2025-10-01.

Conditions:
HUWE1-related disorder. Also called: HUWE1-related condition.
Inborn genetic diseases. Identifiers: MedGen C0950123, MeSH D030342.

Allele frequency attached by ClinVar (database versions not stated): gnomAD exomes 0.00002 and 0.00009; ExAC 0.00017; gnomAD 0.00025 and 0.00026; TOPMed 0.00029; ESP Exome Variant Server 0.00047; 1000 Genomes Project 0.00106; 1000 Genomes Project 30x 0.00125.
gnomAD v4.1: 47 of 1,210,338 alleles (0.0039%); highest among the groups gnomAD compares: African/African-American, 0.073%; no homozygotes.

Submissions (5):

Labcorp Genetics (formerly Invitae), Labcorp
Classification: Benign. Last evaluated: 2025-10-01. Review status: criteria provided, single submitter. Criteria: Invitae Variant Classification Sherloc (09022015). Collection method: clinical testing. Allele origin: germline.

GeneDx
Classification: Benign. Last evaluated: 2021-01-27. Review status: criteria provided, single submitter. Criteria: GeneDx Variant Classification Process June 2021. Collection method: clinical testing. Allele origin: germline. Affected: yes.

Ambry Genetics
Classification: Likely benign for Inborn genetic diseases. Last evaluated: 2018-12-24. Review status: criteria provided, single submitter. Criteria: Ambry Variant Classification Scheme 2023. Collection method: clinical testing. Allele origin: germline.

Eurofins Ntd Llc (ga)
Classification: Uncertain significance. Last evaluated: 2017-01-26. Review status: criteria provided, single submitter. Criteria: EGL Classification Definitions 2015. Collection method: clinical testing. Allele origin: germline. Observed: 1 variant allele, 1 hemizygote.

PreventionGenetics, part of Exact Sciences
Classification: Likely benign for HUWE1-related condition. Last evaluated: 2022-02-07. Review status: no assertion criteria provided. Collection method: clinical testing. Allele origin: germline. Not counted in ClinVar's aggregate classification.
Comment: This variant is classified as likely benign based on ACMG/AMP sequence variant interpretation guidelines (Richards et al. 2015 PMID: 25741868, with internal and published modifications).

NM_031407.7(HUWE1):c.8687C>T (p.Ala2896Val)

Gene: HUWE1 (HECT, UBA and WWE domain containing E3 ubiquitin protein ligase 1; minus strand). Cytogenetic location: Xp11.22.
Variant type: single nucleotide variant.
Coding change: c.8687C>T on transcript NM_031407.7 (MANE Select); coding-DNA position 8687, C replaced by T.
Protein change: p.Ala2896Val; replaces alanine 2896 with valine.
Molecular consequence: missense variant.
Genome position (GRCh38, 1-based): chrX:53,552,701, G>A on the plus strand (C>T on the coding strand, the complement: HUWE1 is on the minus strand). VCF-style: chrX-53552701-G-A. GRCh37 (hg19) VCF-style: chrX-53579662-G-A.
Other names: c.8687C>T (NM_031407.6); short protein forms A2896V.
Identifiers: ClinVar variation 499827 (VCV000499827.15), dbSNP rs142574684, ClinGen allele CA10421762.